The following is an entry in ClinVar:

ClinVar aggregate classification (germline): Uncertain significance (1 of 4 stars; one submission).

gnomAD v4.1: 1 of 1,613,992 alleles (0.000062%); highest among the groups gnomAD compares: Admixed American, 0.0017%; no homozygotes.

Submission:

Labcorp Genetics (formerly Invitae), Labcorp
Classification: Uncertain significance. Last evaluated: 2024-12-25. Review status: criteria provided, single submitter. Criteria: Invitae Variant Classification Sherloc (09022015). Collection method: clinical testing. Allele origin: germline.
Comment: This sequence change replaces valine, which is neutral and non-polar, with glycine, which is neutral and non-polar, at codon 2524 of the ADGRV1 protein (p.Val2524Gly). This variant is present in population databases (no rsID available, gnomAD 0.003%). This variant has not been reported in the literature in individuals affected with ADGRV1-related conditions. Invitae Evidence Modeling of protein sequence and biophysical properties (such as structural, functional, and spatial information, amino acid conservation, physicochemical variation, residue mobility, and thermodynamic stability) has been performed for this missense variant. However, the output from this modeling did not meet the statistical confidence thresholds required to predict the impact of this variant on ADGRV1 protein function. In summary, the available evidence is currently insufficient to determine the role of this variant in disease. Therefore, it has been classified as a Variant of Uncertain Significance.

NM_032119.4(ADGRV1):c.7571T>G (p.Val2524Gly)

Gene: ADGRV1 (adhesion G protein-coupled receptor V1; plus strand). Cytogenetic location: 5q14.3.
Variant type: single nucleotide variant.
Coding change: c.7571T>G on transcript NM_032119.4 (MANE Select); coding-DNA position 7571, T replaced by G.
Protein change: p.Val2524Gly; replaces valine 2524 with glycine.
Molecular consequence: missense variant. On other transcripts: non-coding transcript variant (1).
Genome position (GRCh38, 1-based): chr5:90,694,327, T>G. VCF-style: chr5-90694327-T-G. GRCh37 (hg19) VCF-style: chr5-89990144-T-G.
Other names: short protein forms V2524G.
Identifiers: ClinVar variation 3674754 (VCV003674754.2).